The following is an entry in ClinVar:

NM_004086.3(COCH):c.610G>A (p.Val204Met)

Genes: COCH (cochlin; plus strand), COCH-AS1 (COCH antisense RNA 1; minus strand). Cytogenetic location: 14q12.
Variant type: single nucleotide variant.
Coding change: c.610G>A on transcript NM_004086.3 (MANE Select); coding-DNA position 610, G replaced by A.
Protein change: p.Val204Met; replaces valine 204 with methionine.
Molecular consequence: missense variant.
Genome position (GRCh38, 1-based): chr14:30,880,715, G>A. VCF-style: chr14-30880715-G-A. GRCh37 (hg19) VCF-style: chr14-31349921-G-A.
Other names: c.610G>A, p.Val204Met (NM_001135058.2); c.805G>A, p.Val269Met (NM_001347720.2); short protein forms V204M, V269M.
Identifiers: ClinVar variation 3340308 (VCV003340308.2).

ClinVar aggregate classification (germline): Uncertain significance. Review status: criteria provided, multiple submitters, no conflicts (2 of 4 stars). 2 submissions from 2 submitters: Uncertain significance (2). Last evaluated 2023-06-14.

gnomAD v4.1: 6 of 1,613,814 alleles (0.00037%); highest among the groups gnomAD compares: East Asian, 0.011%; no homozygotes.

Submissions (2):

GeneDx
Classification: Uncertain significance. Last evaluated: 2023-06-14. Review status: criteria provided, single submitter. Criteria: GeneDx Variant Classification Process June 2021. Collection method: clinical testing. Allele origin: germline. Affected: yes.
Comment: Reported in a patient with sensorineural hearing loss in published literature (Gao et al., 2021); In silico analysis supports that this missense variant does not alter protein structure/function; This variant is associated with the following publications: (PMID: 34403091)

Blueprint Genetics
Classification: Uncertain significance. Last evaluated: 2021-05-06. Review status: criteria provided, single submitter. Criteria: ACMG Guidelines, 2015. Collection method: clinical testing. Allele origin: germline.